The following is an entry in ClinVar:

NM_001110556.2(FLNA):c.4659del (p.Leu1555fs)

Gene: FLNA (filamin A; minus strand). Cytogenetic location: Xq28.
Variant type: Deletion.
Coding change: c.4659del on transcript NM_001110556.2 (MANE Select); coding-DNA position 4659, one base deleted (C; older notation c.4659delC).
Protein change: p.Leu1555fs; shifts the reading frame from leucine 1555.
Molecular consequence: frameshift variant.
Genome position (GRCh38, 1-based): chrX:154,358,295, G deleted on the plus strand (C on the coding strand, the reverse complement: FLNA is on the minus strand); the first of 4 consecutive G bases (chrX:154,358,295-154,358,298); deleting any one gives the same sequence. VCF-style (leftmost placement, unchanged base first): chrX-154358294-CG-C. GRCh37 (hg19) VCF-style: chrX-153586662-CG-C.
Other names: c.4659delC (NM_001456.3); c.4659del, p.Leu1555fs (NM_001456.4); short protein forms L1555fs.
Identifiers: ClinVar variation 817778 (VCV000817778.2), dbSNP rs1603360547, ClinGen allele CA915952160.

ClinVar aggregate classification (germline): Pathogenic (1 of 4 stars; one submission).

Submission:

GeneDx
Classification: Pathogenic. Last evaluated: 2021-02-23. Review status: criteria provided, single submitter. Criteria: GeneDx Variant Classification Process June 2021. Collection method: clinical testing. Allele origin: germline. Affected: yes.
Comment: Frameshift variant predicted to result in protein truncation or nonsense mediated decay in a gene for which loss-of-function is a known mechanism of disease; Not observed in large population cohorts (Lek et al., 2016); Has not been previously published as pathogenic or benign to our knowledge